The following is an entry in ClinVar:

NM_058246.4(DNAJB6):c.212A>C (p.Glu71Ala)

Gene: DNAJB6 (DnaJ heat shock protein family (Hsp40) member B6; plus strand). Cytogenetic location: 7q36.3.
Variant type: single nucleotide variant.
Coding change: c.212A>C on transcript NM_058246.4 (MANE Select); coding-DNA position 212, A replaced by C.
Protein change: p.Glu71Ala; replaces glutamic acid 71 with alanine.
Molecular consequence: missense variant.
Genome position (GRCh38, 1-based): chr7:157,366,538, A>C. VCF-style: chr7-157366538-A-C. GRCh37 (hg19) VCF-style: chr7-157159232-A-C.
Other names: c.212A>C, p.Glu71Ala (NM_001363676.1, NM_005494.3); short protein forms E71A.
Identifiers: ClinVar variation 3701226 (VCV003701226.2).

ClinVar aggregate classification (germline): Uncertain significance (1 of 4 stars; one submission).

Conditions:
Autosomal dominant limb-girdle muscular dystrophy type 1D (DNAJB6) (LGMDD1). Also called: MUSCULAR DYSTROPHY, LIMB-GIRDLE, TYPE 1D; MUSCULAR DYSTROPHY, AUTOSOMAL DOMINANT, WITH RIMMED VACUOLES; Autosomal dominant limb-girdle muscular dystrophy type 1D; Muscular dystrophy, limb-girdle, autosomal dominant 1. Identifiers: Orphanet 34516, MedGen C4721885, MONDO:0021018, OMIM 603511.

gnomAD v4.1: 1 of 1,614,060 alleles (0.000062%); highest among the groups gnomAD compares: South Asian, 0.0011%; no homozygotes.

Submission:

Labcorp Genetics (formerly Invitae), Labcorp
Classification: Uncertain significance for Autosomal dominant limb-girdle muscular dystrophy type 1D (DNAJB6). Last evaluated: 2024-12-07. Review status: criteria provided, single submitter. Criteria: Invitae Variant Classification Sherloc (09022015). Collection method: clinical testing. Allele origin: germline.
Comment: This sequence change replaces glutamic acid, which is acidic and polar, with alanine, which is neutral and non-polar, at codon 71 of the DNAJB6 protein (p.Glu71Ala). This variant is not present in population databases (gnomAD no frequency). This variant has not been reported in the literature in individuals affected with DNAJB6-related conditions. Invitae Evidence Modeling of protein sequence and biophysical properties (such as structural, functional, and spatial information, amino acid conservation, physicochemical variation, residue mobility, and thermodynamic stability) indicates that this missense variant is not expected to disrupt DNAJB6 protein function with a negative predictive value of 80%. In summary, the available evidence is currently insufficient to determine the role of this variant in disease. Therefore, it has been classified as a Variant of Uncertain Significance.